The following is an entry in ClinVar:

NM_000397.4(CYBB):c.1085C>T (p.Thr362Ile)

Gene: CYBB (cytochrome b-245 beta chain; plus strand). Cytogenetic location: Xp11.4.
Variant type: single nucleotide variant.
Coding change: c.1085C>T on transcript NM_000397.4 (MANE Select); coding-DNA position 1085, C replaced by T.
Protein change: p.Thr362Ile; replaces threonine 362 with isoleucine.
Molecular consequence: missense variant.
Genome position (GRCh38, 1-based): chrX:37,804,064, C>T. VCF-style: chrX-37804064-C-T. GRCh37 (hg19) VCF-style: chrX-37663317-C-T.
Other names: short protein forms T362I.
Identifiers: ClinVar variation 632782 (VCV000632782.1), dbSNP rs1569479953, ClinGen allele CA412977438.

ClinVar aggregate classification (germline): Likely pathogenic (1 of 4 stars; one submission).

Conditions:
Granulomatous disease, chronic, X-linked. Also called: GRANULOMATOUS DISEASE, CHRONIC, X-LINKED, SOMATIC MOSAIC; CYTOCHROME b-NEGATIVE GRANULOMATOUS DISEASE, CHRONIC, X-LINKED. Identifiers: Orphanet 379, MedGen C1844376, MONDO:0010600, OMIM 306400.

Submission:

Women's Health and Genetics/Laboratory Corporation of America, LabCorp
Classification: Likely pathogenic for Chronic granulomatous disease, X-linked. Last evaluated: 2018-05-10. Review status: criteria provided, single submitter. Criteria: LabCorp Variant Classification Summary - May 2015. Collection method: clinical testing. Allele origin: germline.
Comment: Variant summary: CYBB c.1085C>T (p.Thr362Ile) results in a non-conservative amino acid change located in the ferredoxin like FAD/NADPH binding domain of the encoded protein sequence. Five of five in-silico tools predict a damaging effect of the variant on protein function. The variant was absent in 178221 control chromosomes. c.1085C>T has been reported in the literature in individuals affected with X-linked Chronic Granulomatous Disease. These data indicate that the variant is likely to be associated with disease. To our knowledge, no experimental evidence demonstrating an impact on protein function has been reported. No clinical diagnostic laboratories have submitted clinical-significance assessments for this variant to ClinVar after 2014. Based on the evidence outlined above, the variant was classified as likely pathogenic.

Literature cited by the submitters: PubMed 11112388.